The following is an entry in ClinVar:

NM_144596.4(TTC8):c.1118C>A (p.Ala373Asp)

Gene: TTC8 (tetratricopeptide repeat domain 8; plus strand). Cytogenetic location: 14q31.3.
Variant type: single nucleotide variant.
Coding change: c.1118C>A on transcript NM_144596.4 (MANE Select); coding-DNA position 1118, C replaced by A.
Protein change: p.Ala373Asp; replaces alanine 373 with aspartic acid.
Molecular consequence: missense variant. On other transcripts: non-coding transcript variant (1).
Genome position (GRCh38, 1-based): chr14:88,871,617, C>A. VCF-style: chr14-88871617-C-A. GRCh37 (hg19) VCF-style: chr14-89337961-C-A.
Other names: c.1166C>A, p.Ala389Asp (NM_001288781.1); c.524C>A, p.Ala175Asp (NM_001288782.1); c.401C>A, p.Ala134Asp (NM_001288783.1); c.1088C>A, p.Ala363Asp (NM_001366535.2, NM_198309.3); c.998C>A, p.Ala333Asp (NM_001366536.2, NM_198310.3); short protein forms A134D, A373D, A175D, A363D, A333D, A389D.
Identifiers: ClinVar variation 850987 (VCV000850987.10), dbSNP rs768465465, ClinGen allele CA390551717.

ClinVar aggregate classification (germline): Uncertain significance (1 of 4 stars; one submission).

Conditions:
Bardet-Biedl syndrome (BBS). Identifiers: Orphanet 110, MedGen C0752166, MONDO:0015229.

Submission:

Labcorp Genetics (formerly Invitae), Labcorp
Classification: Uncertain significance for Bardet-Biedl syndrome. Last evaluated: 2019-12-24. Review status: criteria provided, single submitter. Criteria: Invitae Variant Classification Sherloc (09022015). Collection method: clinical testing. Allele origin: germline.
Comment: This variant has not been reported in the literature in individuals with TTC8-related conditions. This variant is not present in population databases (ExAC no frequency). This sequence change replaces alanine with aspartic acid at codon 363 of the TTC8 protein (p.Ala363Asp). The alanine residue is highly conserved and there is a moderate physicochemical difference between alanine and aspartic acid. Algorithms developed to predict the effect of missense changes on protein structure and function are either unavailable or do not agree on the potential impact of this missense change (SIFT: "Deleterious"; PolyPhen-2: "Benign"; Align-GVGD: "Class C0"). In summary, the available evidence is currently insufficient to determine the role of this variant in disease. Therefore, it has been classified as a Variant of Uncertain Significance.